The following is an entry in ClinVar:

NM_001376.5(DYNC1H1):c.4190A>G (p.Asn1397Ser)

Gene: DYNC1H1 (dynein cytoplasmic 1 heavy chain 1; plus strand). Cytogenetic location: 14q32.31.
Variant type: single nucleotide variant.
Coding change: c.4190A>G on transcript NM_001376.5 (MANE Select); coding-DNA position 4190, A replaced by G.
Protein change: p.Asn1397Ser; replaces asparagine 1397 with serine.
Molecular consequence: missense variant.
Genome position (GRCh38, 1-based): chr14:102,001,149, A>G. VCF-style: chr14-102001149-A-G. GRCh37 (hg19) VCF-style: chr14-102467486-A-G.
Other names: short protein forms N1397S.
Identifiers: ClinVar variation 2815814 (VCV002815814.3), dbSNP rs2503729992, ClinGen allele CA391039966.

ClinVar aggregate classification (germline): Uncertain significance (1 of 4 stars; one submission).

Conditions:
Charcot-Marie-Tooth disease axonal type 2O. Also called: CHARCOT-MARIE-TOOTH NEUROPATHY, AXONAL, TYPE 2O; CHARCOT-MARIE-TOOTH DISEASE, AXONAL, AUTOSOMAL DOMINANT, TYPE 2O; Charcot-Marie-Tooth Neuropathy Type 2O; Charcot-Marie-Tooth disease, axonal, type 20. Identifiers: Orphanet 284232, MedGen C3280220, MONDO:0013644, OMIM 614228.

Submission:

Labcorp Genetics (formerly Invitae), Labcorp
Classification: Uncertain significance for Charcot-Marie-Tooth disease axonal type 2O. Last evaluated: 2023-05-19. Review status: criteria provided, single submitter. Criteria: Invitae Variant Classification Sherloc (09022015). Collection method: clinical testing. Allele origin: germline.
Comment: In summary, the available evidence is currently insufficient to determine the role of this variant in disease. Therefore, it has been classified as a Variant of Uncertain Significance. Advanced modeling of protein sequence and biophysical properties (such as structural, functional, and spatial information, amino acid conservation, physicochemical variation, residue mobility, and thermodynamic stability) performed at Invitae indicates that this missense variant is expected to disrupt DYNC1H1 protein function. This variant has not been reported in the literature in individuals affected with DYNC1H1-related conditions. This variant is not present in population databases (gnomAD no frequency). This sequence change replaces asparagine, which is neutral and polar, with serine, which is neutral and polar, at codon 1397 of the DYNC1H1 protein (p.Asn1397Ser).